The following is an entry in ClinVar:

ClinVar aggregate classification (germline): Uncertain significance. Review status: criteria provided, multiple submitters, no conflicts (2 of 4 stars). 2 submissions from 2 submitters: Uncertain significance (2). Last evaluated 2024-10-24.

gnomAD v4.1: 14 of 1,613,980 alleles (0.00087%); highest among the groups gnomAD compares: Admixed American, 0.0017%; no homozygotes.

Submissions (2):

Labcorp Genetics (formerly Invitae), Labcorp
Classification: Uncertain significance. Last evaluated: 2024-10-24. Review status: criteria provided, single submitter. Criteria: Invitae Variant Classification Sherloc (09022015). Collection method: clinical testing. Allele origin: germline.
Comment: This sequence change replaces leucine, which is neutral and non-polar, with methionine, which is neutral and non-polar, at codon 135 of the LEP protein (p.Leu135Met). This variant is present in population databases (no rsID available, gnomAD 0.0009%). This variant has not been reported in the literature in individuals affected with LEP-related conditions. An algorithm developed to predict the effect of missense changes on protein structure and function outputs the following: PolyPhen-2: "Possibly Damaging". The methionine amino acid residue is found in multiple mammalian species, which suggests that this missense change does not adversely affect protein function. In summary, the available evidence is currently insufficient to determine the role of this variant in disease. Therefore, it has been classified as a Variant of Uncertain Significance.

Blueprint Genetics
Classification: Uncertain significance. Last evaluated: 2022-06-22. Review status: criteria provided, single submitter. Criteria: ACMG Guidelines, 2015. Collection method: clinical testing. Allele origin: germline.

NM_000230.3(LEP):c.403C>A (p.Leu135Met)

Gene: LEP (leptin; plus strand). Cytogenetic location: 7q32.1.
Variant type: single nucleotide variant.
Coding change: c.403C>A on transcript NM_000230.3 (MANE Select); coding-DNA position 403, C replaced by A.
Protein change: p.Leu135Met; replaces leucine 135 with methionine.
Molecular consequence: missense variant.
Genome position (GRCh38, 1-based): chr7:128,254,662, C>A. VCF-style: chr7-128254662-C-A. GRCh37 (hg19) VCF-style: chr7-127894715-C-A.
Other names: short protein forms L135M.
Identifiers: ClinVar variation 3609723 (VCV003609723.2).